The following is an entry in ClinVar:

ClinVar aggregate classification (germline): Benign. Review status: criteria provided, multiple submitters, no conflicts (2 of 4 stars). 2 submissions from 2 submitters: Benign (2). Last evaluated 2018-01-13.

Conditions:
Hepatic methionine adenosyltransferase deficiency. Also called: MAT I/III DEFICIENCY; Methionine adenosyltransferase deficiency; Deficiency of methionine adenosyltransferase; Isolated Persistent Hypermethioninemia. Identifiers: Orphanet 168598, MedGen C0268621, MeSH C564683, MONDO:0009607, OMIM 250850.

Allele frequency attached by ClinVar (database versions not stated): gnomAD exomes 0.05000; 1000 Genomes Project 0.05591; 1000 Genomes Project 30x 0.05715; TOPMed 0.07112.

Submissions (2):

Illumina Laboratory Services, Illumina
Classification: Benign for Hepatic methionine adenosyltransferase deficiency. Last evaluated: 2018-01-13. Review status: criteria provided, single submitter. Criteria: ICSL Variant Classification Criteria 13 December 2019. Collection method: clinical testing. Allele origin: germline.
Comment: This variant was observed in the ICSL laboratory as part of a predisposition screen in an ostensibly healthy population. It had not been previously curated by ICSL or reported in the Human Gene Mutation Database (HGMD: prior to June 1st, 2018), and was therefore a candidate for classification through an automated scoring system. Utilizing variant allele frequency, disease prevalence and penetrance estimates, and inheritance mode, an automated score was calculated to assess if this variant is too frequent to cause the disease. Based on the score and internal cut-off values, a variant classified as benign is not then subjected to further curation. The score for this variant resulted in a classification of benign for this disease.

Breakthrough Genomics
Classification: Benign. Review status: criteria provided, single submitter. Criteria: ACMG Guidelines, 2015. Collection method: not provided. Allele origin: germline. Inheritance: Autosomal dominant inheritance. Affected: yes.

NM_000429.3(MAT1A):c.*863G>A

Gene: MAT1A (methionine adenosyltransferase 1A; minus strand). Cytogenetic location: 10q22.3.
Variant type: single nucleotide variant.
Coding change: c.*863G>A on transcript NM_000429.3 (MANE Select); 863 bases downstream of the stop codon, G replaced by A.
Molecular consequence: 3 prime UTR variant.
Genome position (GRCh38, 1-based): chr10:80,272,918, C>T on the plus strand (G>A on the coding strand, the complement: MAT1A is on the minus strand). VCF-style: chr10-80272918-C-T. GRCh37 (hg19) VCF-style: chr10-82032674-C-T.
Identifiers: ClinVar variation 301166 (VCV000301166.6), dbSNP rs41284064, ClinGen allele CA10636107.